The following is an entry in ClinVar:

ClinVar aggregate classification (germline): Pathogenic/Likely pathogenic. Review status: criteria provided, multiple submitters, no conflicts (2 of 4 stars). 12 submissions from 12 submitters: Pathogenic (8); Likely pathogenic (2). 2 of the submissions do not count toward it. Last evaluated 2025-12-31.

Conditions:
HPSE2-related disorders.
Urofacial syndrome type 1. Also called: HPSE2-Related Urofacial Syndrome. Identifiers: Orphanet 2704, MedGen CN033872, MONDO:0009368, OMIM 236730.

Allele frequency attached by ClinVar (database versions not stated): ExAC 0.00016; gnomAD exomes 0.00016 and 0.00045; gnomAD 0.00018 and 0.00019; TOPMed 0.00021; 1000 Genomes Project 30x 0.00031; ESP Exome Variant Server 0.00032.

Submissions (12):

Victorian Clinical Genetics Services, Murdoch Childrens Research Institute
Classification: Pathogenic for Urofacial syndrome type 1. Last evaluated: 2025-12-31. Review status: criteria provided, single submitter. Criteria: ACMG Guidelines, 2015. Collection method: clinical testing. Allele origin: germline.
Comment: This variant is classified as Pathogenic. Evidence in support of pathogenic classification: Variant is predicted to result in an elongated protein; Variant is present in gnomAD <0.01 for a recessive condition (v4: 677 heterozygote(s), 0 homozygote(s)); This variant has strong previous evidence of pathogenicity in unrelated individuals. This variant has been classified as likely pathogenic/pathogenic by clinical laboratories in ClinVar, and reported in the literature in a homozygous or compound heterozygous state in individuals with urofacial syndrome (PMID: 20560210, 20560209). Additional information: This variant is homozygous; This gene is associated with autosomal recessive disease; No comparable elongation variants have previous evidence for pathogenicity; Loss of function is a known mechanism of disease in this gene and is associated with urofacial syndrome 1 (MIM#236730); Variants in this gene are known to have variable expressivity. Clinical variability has been observed between individuals with urofacial syndrome who harbour the same variant (PMID: 20560210, 21332471).

GeneDx
Classification: Likely pathogenic. Last evaluated: 2025-12-25. Review status: criteria provided, single submitter. Criteria: GeneDx Variant Classification Process June 2021. Collection method: clinical testing. Allele origin: germline.
Comment: Frameshift variant predicted to result in abnormal protein length as the last 104 amino acids are replaced with 125 different amino acids; This variant is associated with the following publications: (PMID: 20560209, 11446407, 31589614, 35812751, 20560210, 30476936)

Labcorp Genetics (formerly Invitae), Labcorp
Classification: Pathogenic. Last evaluated: 2025-09-21. Review status: criteria provided, single submitter. Criteria: Invitae Variant Classification Sherloc (09022015). Collection method: clinical testing. Allele origin: germline.
Comment: This sequence change creates a premature translational stop signal (p.Asn489Profs*126) in the HPSE2 gene. While this is not anticipated to result in nonsense mediated decay, it is expected to disrupt the last 104 amino acid(s) of the HPSE2 protein. This variant is present in population databases (rs397515338, gnomAD 0.03%). This premature translational stop signal has been observed in individuals with urofacial syndrome (PMID: 20560209, 20560210). It has also been observed to segregate with disease in related individuals. ClinVar contains an entry for this variant (Variation ID: 84). Algorithms developed to predict the effect of sequence changes on RNA splicing suggest that this variant may disrupt the consensus splice site. For these reasons, this variant has been classified as Pathogenic.

First Genomix Gene Laboratory, Genetic Diagnostics Department
Classification: Pathogenic for Urofacial syndrome type 1. Last evaluated: 2025-08-21. Review status: criteria provided, single submitter. Criteria: ACMG Guidelines, 2015. Collection method: clinical testing. Allele origin: germline. Inheritance: Autosomal recessive inheritance. Affected: no. Observed: 1 variant allele.

Variantyx, Inc.
Classification: Pathogenic for Urofacial syndrome type 1. Last evaluated: 2025-06-11. Review status: criteria provided, single submitter. Criteria: Variantyx Assertion Criteria 2022. Collection method: clinical testing. Allele origin: germline. Inheritance: Autosomal recessive inheritance. Affected: no.
Comment: This is a frameshift variant in the HPSE2 gene (OMIM: 613469). Pathogenic variants in this gene have been associated with autosomal recessive urofacial syndrome 1. This variant introduces a premature termination codon in exon 10 out of 12 and is expected to result in loss of function, which is a known disease mechanism for HPSE2 in this disorder (PVS1). This variant has been identified in the homozygous or compound heterozygous state in at least 2 individuals reported in the published literature (PMID: 20560209)(PM3). This variant has a 0.0550% maximum allele frequency in non-founder control populations (PM2). Based on the current evidence, this variant is classified as pathogenic for autosomal recessive urofacial syndrome 1.

Blueprint Genetics
Classification: Pathogenic for HPSE2-related disorders. Last evaluated: 2024-11-25. Review status: criteria provided, single submitter. Criteria: ACMG Guidelines, 2015. Collection method: clinical testing. Allele origin: germline. Affected: yes. Observed: 5 variant alleles.

Eurofins-Biomnis
Classification: Likely pathogenic for Urofacial syndrome type 1. Last evaluated: 2022-12-13. Review status: criteria provided, single submitter. Criteria: Accession Criteria ClinVar Biomnis. Collection method: clinical testing. Allele origin: paternal. Affected: yes. Observed: 1 heterozygote.

Fulgent Genetics
Classification: Pathogenic for Urofacial syndrome type 1. Last evaluated: 2022-03-17. Review status: criteria provided, single submitter. Criteria: ACMG Guidelines, 2015. Collection method: clinical testing. Allele origin: unknown.

Revvity Omics, Revvity
Classification: Pathogenic for Urofacial syndrome type 1. Last evaluated: 2019-12-11. Review status: criteria provided, single submitter. Criteria: ACMG Guidelines, 2015. Collection method: clinical testing. Allele origin: germline.

Mayo Clinic Laboratories, Mayo Clinic
Classification: Pathogenic for Urofacial syndrome type 1. Last evaluated: 2017-05-22. Review status: criteria provided, single submitter. Criteria: ACMG Guidelines, 2015. Collection method: clinical testing. Allele origin: maternal.

OMIM
Classification: Pathogenic for UROFACIAL SYNDROME 1. Last evaluated: 2010-06-11. Review status: no assertion criteria provided. Collection method: literature only. Allele origin: germline. Not counted in ClinVar's aggregate classification.

GeneReviews
No classification provided. Condition: Urofacial syndrome type 1. Review status: no classification provided. Collection method: literature only. Allele origin: germline. Not counted in ClinVar's aggregate classification.

Literature cited by the submitters: PubMed 21332471 (cited by Victorian Clinical Genetics Services, Murdoch Childrens Research Institute); PubMed 20560210 (cited by 4 submitters); PubMed 20560209 (cited by 5 submitters); PubMed 11446407 (cited by OMIM).

NM_021828.5(HPSE2):c.1465_1466del (p.Asn489fs)

Gene: HPSE2 (heparanase 2 (inactive); minus strand). Cytogenetic location: 10q24.2.
Variant type: Deletion.
Coding change: c.1465_1466del on transcript NM_021828.5 (MANE Select); coding-DNA positions 1465 to 1466, 2 bases deleted (AA; older notation c.1465_1466delAA).
Protein change: p.Asn489fs; shifts the reading frame from asparagine 489.
Molecular consequence: frameshift variant.
Genome position (GRCh38, 1-based): chr10:98,490,051-98,490,052, TT deleted on the plus strand (AA on the coding strand, the reverse complement: HPSE2 is on the minus strand). VCF-style (leftmost placement, unchanged base first): chr10-98490050-CTT-C. GRCh37 (hg19) VCF-style: chr10-100249807-CTT-C.
Other names: c.1465_1466delAA (NM_021828.4, NM_021828.5); c.1291_1292del, p.Asn431fs (NM_001166244.1); c.1129_1130del, p.Asn377fs (NM_001166245.1); c.1465_1466del, p.Asn489fs (NM_001166246.1); short protein forms N377fs, N431fs, N489fs.
Identifiers: ClinVar variation 84 (VCV000000084.29), dbSNP rs397515338, ClinGen allele CA339791.